The following is an entry in ClinVar:

NM_001276700.2(NLRP6):c.1958G>C (p.Arg653Pro)

Gene: NLRP6 (NLR family pyrin domain containing 6; plus strand). Cytogenetic location: 11p15.5.
Variant type: single nucleotide variant.
Coding change: c.1958G>C on transcript NM_001276700.2 (MANE Select); coding-DNA position 1958, G replaced by C.
Protein change: p.Arg653Pro; replaces arginine 653 with proline.
Molecular consequence: missense variant.
Genome position (GRCh38, 1-based): chr11:281,692, G>C. VCF-style: chr11-281692-G-C. GRCh37 (hg19) VCF-style: chr11-281692-G-C.
Other names: c.1958G>C, p.Arg653Pro (NM_138329.2); short protein forms R653P.
Identifiers: ClinVar variation 718545 (VCV000718545.28), dbSNP rs148388963, ClinGen allele CA5772188.

ClinVar aggregate classification (germline): Benign/Likely benign. Review status: criteria provided, multiple submitters, no conflicts (2 of 4 stars). 3 submissions from 3 submitters: Benign (2); Likely benign (1). Last evaluated 2023-01-01.

Allele frequency attached by ClinVar (database versions not stated): 1000 Genomes Project 30x 0.00109; 1000 Genomes Project 0.00120; gnomAD exomes 0.00477; ESP Exome Variant Server 0.00492; ExAC 0.00523; TOPMed 0.00545; gnomAD 0.00659.
gnomAD v4.1: 8,709 of 1,613,438 alleles (0.54%); highest among the groups gnomAD compares: Non-Finnish European, 0.62%; 38 homozygotes.

Submissions (3):

CeGaT Center for Human Genetics Tuebingen
Classification: Likely benign. Last evaluated: 2023-01-01. Review status: criteria provided, single submitter. Criteria: CeGaT Center For Human Genetics Tuebingen Variant Classification Criteria Version 2. Collection method: clinical testing. Allele origin: germline. Affected: yes. Observed: 1 variant allele.
Comment: NLRP6: BS2

Labcorp Genetics (formerly Invitae), Labcorp
Classification: Benign. Last evaluated: 2018-07-19. Review status: criteria provided, single submitter. Criteria: Invitae Variant Classification Sherloc (09022015). Collection method: clinical testing. Allele origin: germline.

Breakthrough Genomics
Classification: Benign. Review status: criteria provided, single submitter. Criteria: ACMG Guidelines, 2015. Collection method: not provided. Allele origin: germline. Inheritance: Unknown mechanism. Affected: yes.